The following is an entry in ClinVar:

NM_001397406.1(FDX2):c.146-10T>A

Genes: FDX2 (ferredoxin 2; minus strand), FDX2-ZGLP1 (FDX2-ZGLP1 readthrough (NMD candidate); minus strand), LOC130063486 (ATAC-STARR-seq lymphoblastoid silent region 10064; plus strand). Cytogenetic location: 19p13.2.
Variant type: single nucleotide variant.
Coding change: c.146-10T>A on transcript NM_001397406.1 (MANE Select); 10 bases into the intron before coding-DNA position 146, T replaced by A.
Molecular consequence: intron variant.
Genome position (GRCh38, 1-based): chr19:10,315,769, A>T on the plus strand (T>A on the coding strand, the complement: FDX2 is on the minus strand). VCF-style: chr19-10315769-A-T. GRCh37 (hg19) VCF-style: chr19-10426445-A-T.
Identifiers: ClinVar variation 2122772 (VCV002122772.4), dbSNP rs2512379255, ClinGen allele CA2580096187.

ClinVar aggregate classification (germline): Uncertain significance (1 of 4 stars; one submission).

Submission:

Labcorp Genetics (formerly Invitae), Labcorp
Classification: Uncertain significance. Last evaluated: 2022-04-07. Review status: criteria provided, single submitter. Criteria: Invitae Variant Classification Sherloc (09022015). Collection method: clinical testing. Allele origin: germline.
Comment: In summary, the available evidence is currently insufficient to determine the role of this variant in disease. Therefore, it has been classified as a Variant of Uncertain Significance. Algorithms developed to predict the effect of sequence changes on RNA splicing suggest that this variant may disrupt the consensus splice site. This variant has not been reported in the literature in individuals affected with FDX2-related conditions. This variant is not present in population databases (gnomAD no frequency). This sequence change falls in intron 1 of the FDX2 gene. It does not directly change the encoded amino acid sequence of the FDX2 protein.